The following is an entry in ClinVar:

ClinVar aggregate classification (germline): Pathogenic (1 of 4 stars; one submission).

Conditions:
Familial focal epilepsy with variable foci (FPEVF). Identifiers: Orphanet 98820, MedGen C1858477, MONDO:0020310.

Submission:

Labcorp Genetics (formerly Invitae), Labcorp
Classification: Pathogenic for Familial focal epilepsy with variable foci. Last evaluated: 2025-08-31. Review status: criteria provided, single submitter. Criteria: Invitae Variant Classification Sherloc (09022015). Collection method: clinical testing. Allele origin: germline.
Comment: This sequence change creates a premature translational stop signal (p.Arg78Profs*11) in the DEPDC5 gene. It is expected to result in an absent or disrupted protein product. Loss-of-function variants in DEPDC5 are known to be pathogenic (PMID: 23542697, 23542701). This variant is not present in population databases (gnomAD no frequency). This variant has not been reported in the literature in individuals affected with DEPDC5-related conditions. ClinVar contains an entry for this variant (Variation ID: 2113366). For these reasons, this variant has been classified as Pathogenic.

Literature cited by the submitters: PubMed 23542697; PubMed 23542701.

NM_001242896.3(DEPDC5):c.232dup (p.Arg78fs)

Gene: DEPDC5 (DEP domain containing 5, GATOR1 subcomplex subunit; plus strand). Cytogenetic location: 22q12.2.
Variant type: Duplication.
Coding change: c.232dup on transcript NM_001242896.3 (MANE Select); coding-DNA position 232, one base duplicated (C; older notation c.232dupC).
Protein change: p.Arg78fs; shifts the reading frame from arginine 78.
Molecular consequence: frameshift variant. On other transcripts: non-coding transcript variant (5).
Genome position (GRCh38, 1-based): chr22:31,765,013, C duplicated; the last of 2 consecutive C bases (chr22:31,765,012-31,765,013); duplicating either gives the same sequence. VCF-style (leftmost placement, unchanged base first): chr22-31765011-T-TC. GRCh37 (hg19) VCF-style: chr22-32160997-T-TC.
Other names: c.232dup, p.Arg78fs (NM_001007188.4, NM_001136029.4, NM_001242897.2 and 9 more transcripts); short protein forms R78fs.
Identifiers: ClinVar variation 2113366 (VCV002113366.4), dbSNP rs2082695884, ClinGen allele CA2580099607.